The following is an entry in ClinVar:

ClinVar aggregate classification (germline): Uncertain significance (1 of 4 stars; one submission).

Conditions:
Metaphyseal chondrodysplasia, Schmid type (MCDS). Also called: SPONDYLOMETAPHYSEAL DYSPLASIA, JAPANESE TYPE. Identifiers: Orphanet 174, MedGen C0265289, MONDO:0007983, OMIM 156500.

Submission:

3billion
Classification: Uncertain significance for Metaphyseal chondrodysplasia, Schmid type. Last evaluated: 2025-05-27. Review status: criteria provided, single submitter. Criteria: ACMG Guidelines, 2015. Collection method: clinical testing. Allele origin: germline. Affected: yes.
Comment: The variant is not observed in the gnomAD v4.1.0 dataset. Predicted Consequence/Location: Stop-gained (nonsense): predicted to result in a loss or disruption of normal protein function through protein truncation. The predicted truncated protein may be shortened by less than 10%. Therefore, this variant is classified as VUS according to the recommendation of ACMG/AMP guideline.

NM_000493.4(COL10A1):c.1972G>T (p.Glu658Ter)

Genes: COL10A1 (collagen type X alpha 1 chain; minus strand), NT5DC1 (5'-nucleotidase domain containing 1; plus strand). Cytogenetic location: 6q22.1.
Variant type: single nucleotide variant.
Coding change: c.1972G>T on transcript NM_000493.4 (MANE Select); coding-DNA position 1972, G replaced by T.
Protein change: p.Glu658Ter; replaces glutamic acid 658 with a stop codon.
Molecular consequence: nonsense. On other transcripts: intron variant (1).
Genome position (GRCh38, 1-based): chr6:116,120,144, C>A on the plus strand (G>T on the coding strand, the complement: COL10A1 is on the minus strand). VCF-style: chr6-116120144-C-A. GRCh37 (hg19) VCF-style: chr6-116441307-C-A.
Other names: c.1972G>T, p.Glu658Ter (NM_001424106.1, NM_001424107.1); c.529+2199C>A (NM_152729.3); short protein forms E658*.
Identifiers: ClinVar variation 4855424 (VCV004855424.1).